The following is an entry in ClinVar:

NM_004990.4(MARS1):c.2153A>G (p.Tyr718Cys)

Gene: MARS1 (methionyl-tRNA synthetase 1; plus strand). Cytogenetic location: 12q13.3.
Variant type: single nucleotide variant.
Coding change: c.2153A>G on transcript NM_004990.4 (MANE Select); coding-DNA position 2153, A replaced by G.
Protein change: p.Tyr718Cys; replaces tyrosine 718 with cysteine.
Molecular consequence: missense variant.
Genome position (GRCh38, 1-based): chr12:57,515,007, A>G. VCF-style: chr12-57515007-A-G. GRCh37 (hg19) VCF-style: chr12-57908790-A-G.
Other names: short protein forms Y718C.
Identifiers: ClinVar variation 1681775 (VCV001681775.28), dbSNP rs769280984, ClinGen allele CA6650722.

ClinVar aggregate classification (germline): Uncertain significance. Review status: criteria provided, multiple submitters, no conflicts (2 of 4 stars). 2 submissions from 2 submitters: Uncertain significance (2). Last evaluated 2025-12-17.

Conditions:
Severe early-onset pulmonary alveolar proteinosis due to MARS deficiency. Also called: PULMONARY ALVEOLAR PROTEINOSIS, REUNION ISLAND; Interstitial lung and liver disease. Identifiers: Orphanet 440427, MedGen C4225400, MONDO:0014206, OMIM 615486.
Charcot-Marie-Tooth disease axonal type 2U. Also called: CHARCOT-MARIE-TOOTH NEUROPATHY, TYPE 2U; CHARCOT-MARIE-TOOTH DISEASE, AXONAL, AUTOSOMAL DOMINANT, TYPE 2U. Identifiers: Orphanet 397735, MedGen C4084821, MONDO:0014566, OMIM 616280.

Allele frequency attached by ClinVar (database versions not stated): TOPMed below 0.00001; gnomAD exomes 0.00001; ExAC 0.00002.
gnomAD v4.1: 14 of 1,614,172 alleles (0.00087%); highest among the groups gnomAD compares: Non-Finnish European, 0.001%; no homozygotes.

Submissions (2):

Labcorp Genetics (formerly Invitae), Labcorp
Classification: Uncertain significance for Charcot-Marie-Tooth disease axonal type 2U; Severe early-onset pulmonary alveolar proteinosis due to MARS deficiency. Last evaluated: 2025-12-17. Review status: criteria provided, single submitter. Criteria: Invitae Variant Classification Sherloc (09022015). Collection method: clinical testing. Allele origin: germline.
Comment: This sequence change replaces tyrosine, which is neutral and polar, with cysteine, which is neutral and slightly polar, at codon 718 of the MARS protein (p.Tyr718Cys). This variant is present in population databases (rs769280984, gnomAD 0.003%). This variant has not been reported in the literature in individuals affected with MARS-related conditions. ClinVar contains an entry for this variant (Variation ID: 1681775). An algorithm developed to predict the effect of missense changes on protein structure and function (PolyPhen-2) suggests that this variant is likely to be disruptive. In summary, the available evidence is currently insufficient to determine the role of this variant in disease. Therefore, it has been classified as a Variant of Uncertain Significance.

CeGaT Center for Human Genetics Tuebingen
Classification: Uncertain significance. Last evaluated: 2024-01-01. Review status: criteria provided, single submitter. Criteria: CeGaT Center For Human Genetics Tuebingen Variant Classification Criteria Version 2. Collection method: clinical testing. Allele origin: germline. Affected: yes. Observed: 1 variant allele.
Comment: MARS1: PM2, PP3